The following is an entry in ClinVar:

ClinVar aggregate classification (germline): Uncertain significance. Review status: criteria provided, multiple submitters, no conflicts (2 of 4 stars). 3 submissions from 3 submitters: Uncertain significance (3). Last evaluated 2025-06-19.

Conditions:
Hereditary cancer-predisposing syndrome. Also called: Neoplastic Syndromes, Hereditary; Hereditary Cancer Syndrome; Tumor predisposition; Hereditary neoplastic syndrome. Identifiers: Orphanet 140162, MedGen C0027672, MeSH D009386, MONDO:0015356.
Ataxia-telangiectasia syndrome (AT). Also called: LOUIS-BAR SYNDROME; Cerebello-oculocutaneous telangiectasia; Immunodeficiency with ataxia telangiectasia; Ataxia-telangiectasia, complementation group D; AT, COMPLEMENTATION GROUP C; Ataxia-telangiectasia, complementation group E. Identifiers: Orphanet 100, MedGen C0004135, MONDO:0008840, OMIM 208900.

Submissions (3):

Labcorp Genetics (formerly Invitae), Labcorp
Classification: Uncertain significance for Ataxia-telangiectasia syndrome. Last evaluated: 2025-06-19. Review status: criteria provided, single submitter. Criteria: Invitae Variant Classification Sherloc (09022015). Collection method: clinical testing. Allele origin: germline.
Comment: This variant, c.332_334del, is a complex sequence change that results in the deletion of 2 amino acids and insertion of 1 amino acid(s) in the ATM protein (p.Arg111_Ala112delinsThr). This variant is not present in population databases (gnomAD no frequency). This variant has not been reported in the literature in individuals affected with ATM-related conditions. ClinVar contains an entry for this variant (Variation ID: 407594). Studies have shown that this variant is associated with altered splicing resulting in multiple RNA products (internal data). In summary, the available evidence is currently insufficient to determine the role of this variant in disease. Therefore, it has been classified as a Variant of Uncertain Significance.

Ambry Genetics
Classification: Uncertain significance for Hereditary cancer-predisposing syndrome. Last evaluated: 2023-08-22. Review status: criteria provided, single submitter. Criteria: Ambry Variant Classification Scheme 2023. Collection method: clinical testing. Allele origin: germline.
Comment: The c.332_334delGAG variant (also known as p.R111_A112delinsT) is located in coding exon 4 of the ATM gene. This variant results from an in-frame GAG deletion at nucleotide positions 332 to 334. The arginine and alanine at codons 111 and 112 are replaced by threonine, an amino acid with similar properties. However, this change occurs in the first base pair of coding exon 4, which means it may have some effect on normal mRNA splicing. This variant has been detected in conjunction with an ATM pathogenic variant in an individual diagnosed with ataxia-telangiectasia; however, the phase of the two variants was not specified (Sasaki T et al. Hum Mutat, 1998;12:186-95). In addition, it was reported that RNA studies demonstrated that this alteration caused abnormal splicing in the sample tested (Sasaki T et al. Hum Mutat, 1998;12:186-95). This nucleotide position is well conserved in available vertebrate species. In silico splice site analysis predicts that this alteration will weaken the native splice acceptor site and will result in the creation or strengthening of a novel splice acceptor site. RNA studies have demonstrated that this alteration results in an incomplete splice defect; the clinical impact of this abnormal splicing is unknown at this time (Ambry internal data). In addition, as a deletion-insertion the in silico prediction for this alteration is inconclusive (Choi Y et al. PLoS ONE. 2012; 7(10):e46688). Since supporting evidence is limited at this time, the clinical significance of this alteration remains unclear.

Color Diagnostics, LLC DBA Color Health
Classification: Uncertain significance for Hereditary cancer-predisposing syndrome. Last evaluated: 2018-08-24. Review status: criteria provided, single submitter. Criteria: ACMG Guidelines, 2015. Collection method: clinical testing. Allele origin: germline.

Literature cited by the submitters: PubMed 9711876 (cited by Ambry Genetics).

NM_000051.3(ATM):c.332_334delGAG

Gene: ATM (ATM serine/threonine kinase; plus strand). Cytogenetic location: 11q22.3.
Variant type: Deletion.
Coding change: c.332_334delGAG on transcript NM_000051.3; coding-DNA positions 332 to 334, 3 bases deleted (GAG).
Genome position (GRCh38, 1-based): chr11:108,235,670-108,235,672, GAG deleted; deleting any 3 consecutive bases within chr11:108,235,668-108,235,672 gives the same sequence; the c. name uses the placement nearest the transcript's 3' end. VCF-style (leftmost placement, unchanged base first): chr11-108235667-TAGG-T. GRCh37 (hg19) VCF-style: chr11-108106394-TAGG-T.
Other names: c.332_334del (NM_000051.3).
Identifiers: ClinVar variation 407594 (VCV000407594.17), dbSNP rs1060501621, ClinGen allele CA16612965.